The following is an entry in ClinVar:

NM_133379.5(TTN):c.15285_15317dup (p.5058TLERYSTPPGE[6])

Gene: TTN (titin; minus strand). Cytogenetic location: 2q31.2.
Variant type: Duplication.
Coding change: c.15285_15317dup on transcript NM_133379.5; coding-DNA positions 15285 to 15317, 33 bases duplicated.
Protein change: p.5058TLERYSTPPGE[6].
Molecular consequence: inframe insertion. On other transcripts: intron variant (6).
Genome position (GRCh38, 1-based): chr2:178,747,083-178,747,115, 33 bases duplicated; duplicating any 33 consecutive bases within chr2:178,747,083-178,747,119 gives the same sequence; the c. name uses the placement nearest the transcript's 3' end. GRCh37 (hg19): chr2:179,611,814-179,611,846.
Other names: p.Thr5102_Glu5112dup; p.Glu5112_Ala5113insThrLeuGluArgTyrSerThrProProGlyGlu; c.10223-5194_10223-5162dup (NM_003319.4); c.10799-5194_10799-5162dup (NM_133437.4); c.10598-5194_10598-5162dup (NM_133432.3); c.10360+6009_10360+6041dup (NM_133378.4); c.10361-5194_10361-5162dup (NM_001256850.1); c.11312-5194_11312-5162dup (NM_001267550.2).
Identifiers: ClinVar variation 47784 (VCV000047784.56), dbSNP rs397517815, ClinGen allele CA141889.

ClinVar aggregate classification (germline): Conflicting classifications of pathogenicity. Review status: criteria provided, conflicting classifications (1 of 4 stars). 13 submissions from 13 submitters: Uncertain significance (1); Benign (2); Likely benign (5). 5 of the submissions do not count toward it. Last evaluated 2026-06-01.

Conditions:
TTN-related disorder. Also called: TTN-related disorders; TTN-related condition; TTN-related disease.
Autosomal recessive limb-girdle muscular dystrophy type 2J (LGMDR10). Also called: MUSCULAR DYSTROPHY, LIMB-GIRDLE, AUTOSOMAL RECESSIVE 10; Limb-girdle muscular dystrophy, type 2J. Identifiers: Orphanet 140922, MedGen C1837342, MONDO:0012127, OMIM 608807.
Myopathy, myofibrillar, 9, with early respiratory failure (MFM9). Also called: EDSTROM MYOPATHY; MYOPATHY, PROXIMAL, WITH EARLY RESPIRATORY MUSCLE INVOLVEMENT; Myopathy, distal, with early respiratory failure, autosomal dominant; Hereditary myopathy with early respiratory failure. Identifiers: Orphanet 178464, Orphanet 34521, MedGen C1863599, MONDO:0011362, OMIM 603689.
Dilated cardiomyopathy 1G (CMD1G). Identifiers: Orphanet 154, MedGen C1858763, MONDO:0011400, OMIM 604145.
Early-onset myopathy with fatal cardiomyopathy (CMYO5). Also called: CONGENITAL MYOPATHY 5 WITH CARDIOMYOPATHY; Salih Myopathy. Identifiers: Orphanet 289377, MedGen C2673677, MONDO:0012714, OMIM 611705. Disease mechanism: loss of function.
Hypertrophic cardiomyopathy 9. Also called: Familial hypertrophic cardiomyopathy 9. Identifiers: MedGen C1861065, MONDO:0013412, OMIM 613765.
Tibial muscular dystrophy (TMD). Also called: UDD MYOPATHY; Udd Distal Myopathy – Tibial Muscular Dystrophy; Tibial muscular dystrophy, tardive. Identifiers: Orphanet 609, MedGen C1838244, MONDO:0010870, OMIM 600334.

Submissions (13):

CeGaT Center for Human Genetics Tuebingen
Classification: Likely benign. Last evaluated: 2026-06-01. Review status: criteria provided, single submitter. Criteria: CeGaT Center For Human Genetics Tuebingen Variant Classification Criteria Version 2. Collection method: clinical testing. Allele origin: germline. Affected: yes. Observed: 20 variant alleles.
Comment: TTN: PM4, BS2

Blueprint Genetics
Classification: Likely benign. Last evaluated: 2024-11-25. Review status: criteria provided, single submitter. Criteria: ACMG Guidelines, 2015. Collection method: clinical testing. Allele origin: germline.

Department of Pathology and Laboratory Medicine, Sinai Health System
Classification: Benign for Tibial muscular dystrophy; Myopathy, myofibrillar, 9, with early respiratory failure; Dilated cardiomyopathy 1G; Autosomal recessive limb-girdle muscular dystrophy type 2J; Early-onset myopathy with fatal cardiomyopathy; Hypertrophic cardiomyopathy 9. Last evaluated: 2023-03-28. Review status: criteria provided, single submitter. Criteria: ACMG Guidelines, 2015. Collection method: research. Allele origin: germline.

Fulgent Genetics
Classification: Likely benign for Tibial muscular dystrophy; Myopathy, myofibrillar, 9, with early respiratory failure; Dilated cardiomyopathy 1G; Autosomal recessive limb-girdle muscular dystrophy type 2J; Early-onset myopathy with fatal cardiomyopathy; Hypertrophic cardiomyopathy 9. Last evaluated: 2022-02-15. Review status: criteria provided, single submitter. Criteria: ACMG Guidelines, 2015. Collection method: clinical testing. Allele origin: unknown.

GeneDx
Classification: Benign. Last evaluated: 2019-10-23. Review status: criteria provided, single submitter. Criteria: GeneDx Variant Classification Process June 2021. Collection method: clinical testing. Allele origin: germline. Affected: yes.

Molecular Diagnostic Laboratory for Inherited Cardiovascular Disease, Montreal Heart Institute
Classification: Likely benign. Last evaluated: 2017-01-17. Review status: criteria provided, single submitter. Criteria: ACMG Guidelines, 2015. Collection method: clinical testing. Allele origin: germline. Affected: yes.

Stanford Center for Inherited Cardiovascular Disease, Stanford University
Classification: Uncertain significance. Last evaluated: 2016-07-27. Review status: criteria provided, single submitter. Criteria: ACMG Guidelines, 2015. Collection method: provider interpretation. Allele origin: germline.

Laboratory for Molecular Medicine, Mass General Brigham Personalized Medicine
Classification: Likely benign. Last evaluated: 2015-04-09. Review status: criteria provided, single submitter. Criteria: LMM Criteria. Collection method: clinical testing. Allele origin: germline. Observed: 4 variant alleles.
Comment: p.Thr5102_Glu5112dup in exon 45A of TTN: This variant is not expected to be clin ically significant because it has been identified in 0.6% (376/66452) European c hromosomes, including 2 homozygotes, by the Exome Aggregation Consortium (ExAC; dbSNP rs397517815) and in 1.1% (4/372) Caucasian control chromosomes tested by our laboratory (LMM unpublished data).

PreventionGenetics, part of Exact Sciences
Classification: Likely benign for TTN-related condition. Last evaluated: 2019-08-30. Review status: no assertion criteria provided. Collection method: clinical testing. Allele origin: germline. Not counted in ClinVar's aggregate classification.
Comment: This variant is classified as likely benign based on ACMG/AMP sequence variant interpretation guidelines (Richards et al. 2015 PMID: 25741868, with internal and published modifications).

Clinical Genetics DNA and cytogenetics Diagnostics Lab, Erasmus MC, Erasmus Medical Center
Classification: Benign. Review status: no assertion criteria provided. Collection method: clinical testing. Allele origin: germline. Affected: yes. Study: VKGL Data-share Consensus. Not counted in ClinVar's aggregate classification.

Clinical Genetics, Academic Medical Center
Classification: Benign. Review status: no assertion criteria provided. Collection method: clinical testing. Allele origin: germline. Affected: yes. Study: VKGL Data-share Consensus. Not counted in ClinVar's aggregate classification.

Joint Genome Diagnostic Labs from Nijmegen and Maastricht, Radboudumc and MUMC+
Classification: Likely benign. Review status: no assertion criteria provided. Collection method: clinical testing. Allele origin: germline. Affected: yes. Study: VKGL Data-share Consensus. Not counted in ClinVar's aggregate classification.

Laboratory of Diagnostic Genome Analysis, Leiden University Medical Center (LUMC)
Classification: Likely benign. Review status: no assertion criteria provided. Collection method: clinical testing. Allele origin: germline. Affected: yes. Study: VKGL Data-share Consensus. Not counted in ClinVar's aggregate classification.